The following is an entry in ClinVar:

NM_000268.4(NF2):c.272C>A (p.Pro91Gln)

Gene: NF2 (NF2, moesin-ezrin-radixin like (MERLIN) tumor suppressor; plus strand). Cytogenetic location: 22q12.2.
Variant type: single nucleotide variant.
Coding change: c.272C>A on transcript NM_000268.4 (MANE Select); coding-DNA position 272, C replaced by A.
Protein change: p.Pro91Gln; replaces proline 91 with glutamine.
Molecular consequence: missense variant. On other transcripts: non-coding transcript variant (1), intron variant (3).
Genome position (GRCh38, 1-based): chr22:29,639,121, C>A. VCF-style: chr22-29639121-C-A. GRCh37 (hg19) VCF-style: chr22-30035110-C-A.
Other names: c.272C>A, p.Pro91Gln (NM_016418.5, NM_181825.3, NM_181832.3 and 1 more transcripts); c.146C>A, p.Pro49Gln (NM_181828.3); c.240+2245C>A (NM_181829.3); c.115-3081C>A (NM_181830.3, NM_181831.3); short protein forms P91Q, P49Q.
Identifiers: ClinVar variation 580632 (VCV000580632.17), dbSNP rs1569281659, ClinGen allele CA411153131.

ClinVar aggregate classification (germline): Uncertain significance. Review status: criteria provided, multiple submitters, no conflicts (2 of 4 stars). 3 submissions from 3 submitters: Uncertain significance (3). Last evaluated 2025-03-26.

Conditions:
Neurofibromatosis, type 2 (SWNV). Also called: BILATERAL ACOUSTIC NEUROFIBROMATOSIS; NF2-Related Schwannomatosis; SCHWANNOMATOSIS, VESTIBULAR. Identifiers: Orphanet 637, MedGen C0027832, MONDO:0007039, OMIM 101000. Disease mechanism: loss of function.
Hereditary cancer-predisposing syndrome. Also called: Tumor predisposition; Hereditary Cancer Syndrome; Hereditary neoplastic syndrome; Neoplastic Syndromes, Hereditary. Identifiers: Orphanet 140162, MedGen C0027672, MeSH D009386, MONDO:0015356.

gnomAD v4.1: 4 of 1,614,184 alleles (0.00025%); highest among the groups gnomAD compares: Non-Finnish European, 0.00034%; no homozygotes.

Submissions (3):

Labcorp Genetics (formerly Invitae), Labcorp
Classification: Uncertain significance for Neurofibromatosis, type 2. Last evaluated: 2025-03-26. Review status: criteria provided, single submitter. Criteria: Invitae Variant Classification Sherloc (09022015). Collection method: clinical testing. Allele origin: germline.
Comment: This sequence change replaces proline, which is neutral and non-polar, with glutamine, which is neutral and polar, at codon 91 of the NF2 protein (p.Pro91Gln). This variant is not present in population databases (gnomAD no frequency). This variant has not been reported in the literature in individuals affected with NF2-related conditions. ClinVar contains an entry for this variant (Variation ID: 580632). Invitae Evidence Modeling of protein sequence and biophysical properties (such as structural, functional, and spatial information, amino acid conservation, physicochemical variation, residue mobility, and thermodynamic stability) has been performed for this missense variant. However, the output from this modeling did not meet the statistical confidence thresholds required to predict the impact of this variant on NF2 protein function. In summary, the available evidence is currently insufficient to determine the role of this variant in disease. Therefore, it has been classified as a Variant of Uncertain Significance.

CeGaT Center for Human Genetics Tuebingen
Classification: Uncertain significance. Last evaluated: 2025-02-01. Review status: criteria provided, single submitter. Criteria: CeGaT Center For Human Genetics Tuebingen Variant Classification Criteria Version 2. Collection method: clinical testing. Allele origin: germline. Affected: yes. Observed: 1 variant allele.
Comment: NF2: PM2

Ambry Genetics
Classification: Uncertain significance for Hereditary cancer-predisposing syndrome. Last evaluated: 2024-09-27. Review status: criteria provided, single submitter. Criteria: Ambry Variant Classification Scheme 2023. Collection method: clinical testing. Allele origin: germline.
Comment: The p.P91Q variant (also known as c.272C>A), located in coding exon 3 of the NF2 gene, results from a C to A substitution at nucleotide position 272. The proline at codon 91 is replaced by glutamine, an amino acid with similar properties. This amino acid position is highly conserved in available vertebrate species. In addition, the in silico prediction for this alteration is inconclusive. Based on the available evidence, the clinical significance of this variant remains unclear.